The following is an entry in ClinVar:

NM_007294.4(BRCA1):c.1162A>G (p.Arg388Gly)

Gene: BRCA1 (BRCA1 DNA repair associated; minus strand). Cytogenetic location: 17q21.31.
Variant type: single nucleotide variant.
Coding change: c.1162A>G on transcript NM_007294.4 (MANE Select); coding-DNA position 1162, A replaced by G.
Protein change: p.Arg388Gly; replaces arginine 388 with glycine.
Molecular consequence: missense variant. On other transcripts: intron variant (137).
Genome position (GRCh38, 1-based): chr17:43,094,369, T>C on the plus strand (A>G on the coding strand, the complement: BRCA1 is on the minus strand). VCF-style: chr17-43094369-T-C. GRCh37 (hg19) VCF-style: chr17-41246386-T-C.
Other names: c.646+375A>G (NM_001408460.1, NM_001408454.1, NM_001408456.1 and 11 more transcripts); c.706+375A>G (NM_001408413.1, NM_001408416.1); c.586+375A>G (NM_001408476.1, NM_001408474.1); c.709+375A>G (NM_001408409.1, NM_001408414.1, NM_001408411.1 and 2 more transcripts); c.574+375A>G (NM_001408493.1, NM_001408490.1, NM_001408491.1); c.454+375A>G (NM_001408502.1); c.577+375A>G (NM_001408489.1, NM_001408479.1, NM_001408482.1 and 9 more transcripts); c.661+375A>G (NM_001408445.1, NM_001408432.1, NM_001408450.1 and 6 more transcripts); and 40 more; short protein forms R277G, R347G, R220G, R276G, R299G, R317G, R340G, R341G.
Identifiers: ClinVar variation 1737108 (VCV001737108.7), dbSNP rs111312760, ClinGen allele CA10599730.

ClinVar aggregate classification (germline): Conflicting classifications of pathogenicity. Review status: criteria provided, conflicting classifications (1 of 4 stars). 3 submissions from 3 submitters: Uncertain significance (2); Likely benign (1). Last evaluated 2023-06-06.

Conditions:
Hereditary breast ovarian cancer syndrome. Also called: Hereditary breast and ovarian cancer syndrome; Breast and ovarian cancer; Hereditary breast and/or ovarian cancer syndrome; Hereditary breast and ovarian cancer; BRCA1- and BRCA2-Associated Hereditary Breast and Ovarian Cancer; Hereditary breast and ovarian cancer syndrome (HBOC). Identifiers: Orphanet 145, MedGen C0677776, MeSH D061325, MONDO:0003582. Disease mechanism: loss of function.
Hereditary cancer-predisposing syndrome. Also called: Neoplastic Syndromes, Hereditary; Tumor predisposition; Hereditary Cancer Syndrome; Hereditary neoplastic syndrome. Identifiers: Orphanet 140162, MedGen C0027672, MeSH D009386, MONDO:0015356.

Allele frequency attached by ClinVar (database versions not stated): gnomAD exomes below 0.00001.
gnomAD v4.1: 2 of 1,614,216 alleles (0.00012%); highest among the groups gnomAD compares: African/African-American, 0.0013%; no homozygotes.

Submissions (3):

Labcorp Genetics (formerly Invitae), Labcorp
Classification: Uncertain significance for Hereditary breast ovarian cancer syndrome. Last evaluated: 2023-06-06. Review status: criteria provided, single submitter. Criteria: Invitae Variant Classification Sherloc (09022015). Collection method: clinical testing. Allele origin: germline.
Comment: In summary, the available evidence is currently insufficient to determine the role of this variant in disease. Therefore, it has been classified as a Variant of Uncertain Significance. Advanced modeling of protein sequence and biophysical properties (such as structural, functional, and spatial information, amino acid conservation, physicochemical variation, residue mobility, and thermodynamic stability) has been performed at Invitae for this missense variant, however the output from this modeling did not meet the statistical confidence thresholds required to predict the impact of this variant on BRCA1 protein function. ClinVar contains an entry for this variant (Variation ID: 1737108). This variant has not been reported in the literature in individuals affected with BRCA1-related conditions. This variant is not present in population databases (gnomAD no frequency). This sequence change replaces arginine, which is basic and polar, with glycine, which is neutral and non-polar, at codon 388 of the BRCA1 protein (p.Arg388Gly).

University of Washington Department of Laboratory Medicine, University of Washington
Classification: Likely benign for Hereditary cancer-predisposing syndrome. Last evaluated: 2023-03-23. Review status: criteria provided, single submitter. Criteria: Dines et al. (Genet Med. 2020). Collection method: curation. Allele origin: germline.
Comment: Missense variant in a coldspot region where missense variants are very unlikely to be pathogenic (PMID:31911673).

BRCA1 coldspot (exon 11 using historical exon numbering). Reclassification based on statistical prior probability

Ambry Genetics
Classification: Uncertain significance for Hereditary cancer-predisposing syndrome. Last evaluated: 2023-02-24. Review status: criteria provided, single submitter. Criteria: Ambry Variant Classification Scheme 2023. Collection method: clinical testing. Allele origin: germline.
Comment: The p.R388G variant (also known as c.1162A>G), located in coding exon 9 of the BRCA1 gene, results from an A to G substitution at nucleotide position 1162. The arginine at codon 388 is replaced by glycine, an amino acid with dissimilar properties. This amino acid position is well conserved in available vertebrate species. In addition, this alteration is predicted to be deleterious by in silico analysis. Since supporting evidence is limited at this time, the clinical significance of this alteration remains unclear.